The following is an entry in ClinVar:

ClinVar aggregate classification (germline): Pathogenic (1 of 4 stars; one submission).

Submission:

Labcorp Genetics (formerly Invitae), Labcorp
Classification: Pathogenic. Last evaluated: 2023-12-21. Review status: criteria provided, single submitter. Criteria: Invitae Variant Classification Sherloc (09022015). Collection method: clinical testing. Allele origin: unknown.
Comment: A gross deletion of the genomic region encompassing the full coding sequence of the ANK1 gene has been identified. Loss-of-function variants in ANK1 are known to be pathogenic (PMID: 8640229). The boundaries of this event are unknown as they extend beyond the assayed region for this gene and therefore may encompass additional genes. A similar copy number variant has been observed in individual(s) with hereditary spherocytosis (PMID: 22771917). For these reasons, this variant has been classified as Pathogenic.

Literature cited by the submitters: PubMed 8640229; PubMed 22771917.

NC_000008.10:g.(?_41518984)_(43054712_?)del

Genes: ANK1 (ankyrin 1; minus strand), AP3M2 (adaptor related protein complex 3 subunit mu 2; plus strand), CHRNA6 (cholinergic receptor nicotinic alpha 6 subunit; minus strand), CHRNB3 (cholinergic receptor nicotinic beta 3 subunit; plus strand), DKK4 (dickkopf WNT signaling pathway inhibitor 4; minus strand) and 13 more. Cytogenetic location: 8p11.21.
Variant type: Deletion.
Identifiers: ClinVar variation 3245544 (VCV003245544.1).